The following is an entry in ClinVar:

ClinVar aggregate classification (germline): Uncertain significance. Review status: criteria provided, multiple submitters, no conflicts (2 of 4 stars). 2 submissions from 2 submitters: Uncertain significance (2). Last evaluated 2024-06-06.

Conditions:
Hereditary cancer-predisposing syndrome. Also called: Neoplastic Syndromes, Hereditary; Hereditary neoplastic syndrome; Tumor predisposition; Hereditary Cancer Syndrome. Identifiers: Orphanet 140162, MedGen C0027672, MeSH D009386, MONDO:0015356.
POLD1-related polyposis and colorectal cancer syndrome (CRCS10). Also called: Colorectal cancer 10; COLORECTAL CANCER, SUSCEPTIBILITY TO, ON CHROMOSOME 19q; Colorectal cancer, susceptibility to, 10. Identifiers: Orphanet 220460, MedGen C2675481, MONDO:0012953, OMIM 612591.

Submissions (2):

Ambry Genetics
Classification: Uncertain significance for Hereditary cancer-predisposing syndrome. Last evaluated: 2024-06-06. Review status: criteria provided, single submitter. Criteria: Ambry Variant Classification Scheme 2023. Collection method: clinical testing. Allele origin: germline.
Comment: The p.D402G variant (also known as c.1205A>G), located in coding exon 9 of the POLD1 gene, results from an A to G substitution at nucleotide position 1205. The aspartic acid at codon 402 is replaced by glycine, an amino acid with similar properties. This amino acid position is highly conserved in available vertebrate species. In addition, this alteration is predicted to be deleterious by in silico analysis. Based on the available evidence, the clinical significance of this variant remains unclear.

Labcorp Genetics (formerly Invitae), Labcorp
Classification: Uncertain significance for POLD1-related polyposis and colorectal cancer syndrome. Last evaluated: 2023-05-15. Review status: criteria provided, single submitter. Criteria: Invitae Variant Classification Sherloc (09022015). Collection method: clinical testing. Allele origin: germline.
Comment: ClinVar contains an entry for this variant (Variation ID: 469184). This sequence change replaces aspartic acid, which is acidic and polar, with glycine, which is neutral and non-polar, at codon 402 of the POLD1 protein (p.Asp402Gly). This variant is not present in population databases (gnomAD no frequency). This variant has not been reported in the literature in individuals affected with POLD1-related conditions. Advanced modeling of protein sequence and biophysical properties (such as structural, functional, and spatial information, amino acid conservation, physicochemical variation, residue mobility, and thermodynamic stability) performed at Invitae indicates that this missense variant is expected to disrupt POLD1 protein function. In summary, the available evidence is currently insufficient to determine the role of this variant in disease. Therefore, it has been classified as a Variant of Uncertain Significance.

NM_002691.4(POLD1):c.1205A>G (p.Asp402Gly)

Gene: POLD1 (DNA polymerase delta 1, catalytic subunit; plus strand). Cytogenetic location: 19q13.33.
Variant type: single nucleotide variant.
Coding change: c.1205A>G on transcript NM_002691.4 (MANE Select); coding-DNA position 1205, A replaced by G.
Protein change: p.Asp402Gly; replaces aspartic acid 402 with glycine.
Molecular consequence: missense variant. On other transcripts: non-coding transcript variant (1).
Genome position (GRCh38, 1-based): chr19:50,403,560, A>G. VCF-style: chr19-50403560-A-G. GRCh37 (hg19) VCF-style: chr19-50906817-A-G.
Other names: c.1205A>G, p.Asp402Gly (NM_001256849.1, NM_001308632.1); short protein forms D402G.
Identifiers: ClinVar variation 469184 (VCV000469184.16), dbSNP rs1555790579, ClinGen allele CA406978574.